The following is an entry in ClinVar:

NM_006466.4(POLR3F):c.593G>T (p.Ser198Ile)

Gene: POLR3F (RNA polymerase III subunit F; plus strand). Cytogenetic location: 20p11.23.
Variant type: single nucleotide variant.
Coding change: c.593G>T on transcript NM_006466.4 (MANE Select); coding-DNA position 593, G replaced by T.
Protein change: p.Ser198Ile; replaces serine 198 with isoleucine.
Molecular consequence: missense variant. On other transcripts: non-coding transcript variant (1).
Genome position (GRCh38, 1-based): chr20:18,480,421, G>T. VCF-style: chr20-18480421-G-T. GRCh37 (hg19) VCF-style: chr20-18461065-G-T.
Other names: c.470G>T, p.Ser157Ile (NM_001282526.2); c.449G>T, p.Ser150Ile (NM_001410821.1); short protein forms S150I, S198I, S157I.
Identifiers: ClinVar variation 2091747 (VCV002091747.4), dbSNP rs1568581614, ClinGen allele CA408352597.

ClinVar aggregate classification (germline): Uncertain significance (1 of 4 stars; one submission).

Submission:

Labcorp Genetics (formerly Invitae), Labcorp
Classification: Uncertain significance. Last evaluated: 2022-07-26. Review status: criteria provided, single submitter. Criteria: Invitae Variant Classification Sherloc (09022015). Collection method: clinical testing. Allele origin: germline.
Comment: This sequence change replaces serine, which is neutral and polar, with isoleucine, which is neutral and non-polar, at codon 157 of the POLR3F protein (p.Ser157Ile). This variant is not present in population databases (gnomAD no frequency). In summary, the available evidence is currently insufficient to determine the role of this variant in disease. Therefore, it has been classified as a Variant of Uncertain Significance. Algorithms developed to predict the effect of missense changes on protein structure and function are either unavailable or do not agree on the potential impact of this missense change (SIFT: "Tolerated"; PolyPhen-2: "Not Available"; Align-GVGD: "Class C0"). This variant has not been reported in the literature in individuals affected with POLR3F-related conditions.